The following is an entry in ClinVar:

ClinVar aggregate classification (germline): Likely benign (1 of 4 stars; one submission).

gnomAD v4.1: 5 of 1,610,342 alleles (0.00031%); highest among the groups gnomAD compares: Non-Finnish European, 0.00042%; no homozygotes.

Submission:

CeGaT Center for Human Genetics Tuebingen
Classification: Likely benign. Last evaluated: 2025-03-01. Review status: criteria provided, single submitter. Criteria: CeGaT Center For Human Genetics Tuebingen Variant Classification Criteria Version 2. Collection method: clinical testing. Allele origin: germline. Affected: yes. Observed: 1 variant allele.
Comment: PACS1: BP4

NM_018026.4(PACS1):c.1816C>T (p.Leu606=)

Gene: PACS1 (phosphofurin acidic cluster sorting protein 1; plus strand). Cytogenetic location: 11q13.2.
Variant type: single nucleotide variant.
Coding change: c.1816C>T on transcript NM_018026.4 (MANE Select); coding-DNA position 1816, C replaced by T.
Protein change: p.Leu606=; no amino-acid change (leucine 606 retained).
Molecular consequence: synonymous variant.
Genome position (GRCh38, 1-based): chr11:66,233,044, C>T. VCF-style: chr11-66233044-C-T. GRCh37 (hg19) VCF-style: chr11-66000515-C-T.
Identifiers: ClinVar variation 3778404 (VCV003778404.7).
Genomic context (GRCh38, chr11:66,233,044, plus strand): 5'-CAGCGGAAGCCTGTGGTGTGCACCTGCTCCACCGTGGAGGTCCAGGCCGTGCTGTCCGCC[C>T]TGCTCACCCGGATCCAGCGCTAGTAAGGGCTCTGGCCTCCCTTCTCCTGCCCTTAGAGAT-3'
Protein context (NP_060496.2, residues 596-616): TVEVQAVLSA[Leu606=]LTRIQRYCNC